The following is an entry in ClinVar:

ClinVar aggregate classification (germline): Likely benign. Review status: criteria provided, multiple submitters, no conflicts (2 of 4 stars). 2 submissions from 2 submitters: Likely benign (2). Last evaluated 2024-09-10.

Conditions:
Hereditary cancer-predisposing syndrome. Also called: Hereditary Cancer Syndrome; Neoplastic Syndromes, Hereditary; Tumor predisposition; Hereditary neoplastic syndrome. Identifiers: Orphanet 140162, MedGen C0027672, MeSH D009386, MONDO:0015356.

Submissions (2):

Ambry Genetics
Classification: Likely benign for Hereditary cancer-predisposing syndrome. Last evaluated: 2024-09-10. Review status: criteria provided, single submitter. Criteria: Ambry Variant Classification Scheme 2023. Collection method: clinical testing. Allele origin: germline.

GeneDx
Classification: Likely benign. Last evaluated: 2017-10-30. Review status: criteria provided, single submitter. Criteria: GeneDx Variant Classification (06012015). Collection method: clinical testing. Allele origin: germline. Affected: yes.
Comment: This variant is considered likely benign or benign based on one or more of the following criteria: it is a conservative change, it occurs at a poorly conserved position in the protein, it is predicted to be benign by multiple in silico algorithms, and/or has population frequency not consistent with disease.

NM_002878.4(RAD51D):c.739-4G>T

Genes: RAD51L3-RFFL (RAD51L3-RFFL readthrough; minus strand), RAD51D (RAD51 paralog D; minus strand). Cytogenetic location: 17q12.
Variant type: single nucleotide variant.
Coding change: c.739-4G>T on transcript NM_002878.4 (MANE Select); 4 bases into the intron before coding-DNA position 739, G replaced by T.
Molecular consequence: intron variant.
Genome position (GRCh38, 1-based): chr17:35,101,369, C>A on the plus strand (G>T on the coding strand, the complement: RAD51D is on the minus strand). VCF-style: chr17-35101369-C-A. GRCh37 (hg19) VCF-style: chr17-33428388-C-A.
Other names: c.403-4G>T (NM_133629.3); c.799-4G>T (NM_001142571.2).
Identifiers: ClinVar variation 513067 (VCV000513067.2), dbSNP rs1555567205, ClinGen allele CA658798819.